The following is an entry in ClinVar:

NM_001244008.2(KIF1A):c.4465G>C (p.Val1489Leu)

Gene: KIF1A (kinesin family member 1A; minus strand). Cytogenetic location: 2q37.3.
Variant type: single nucleotide variant.
Coding change: c.4465G>C on transcript NM_001244008.2 (MANE Select); coding-DNA position 4465, G replaced by C.
Protein change: p.Val1489Leu; replaces valine 1489 with leucine.
Molecular consequence: missense variant.
Genome position (GRCh38, 1-based): chr2:240,722,656, C>G on the plus strand (G>C on the coding strand, the complement: KIF1A is on the minus strand). VCF-style: chr2-240722656-C-G. GRCh37 (hg19) VCF-style: chr2-241662073-C-G.
Other names: c.4189G>C, p.Val1397Leu (NM_001320705.2, NM_001379649.1); c.4216G>C, p.Val1406Leu (NM_001330289.2); c.4264G>C, p.Val1422Leu (NM_001330290.2, NM_001379648.1); c.4540G>C, p.Val1514Leu (NM_001379631.1); c.4441G>C, p.Val1481Leu (NM_001379632.1); c.4438G>C, p.Val1480Leu (NM_001379633.1, NM_001379645.1); c.4291G>C, p.Val1431Leu (NM_001379634.1); c.4288G>C, p.Val1430Leu (NM_001379635.1, NM_001379646.1); and 7 more; short protein forms V1397L, V1405L, V1422L, V1431L, V1480L, V1388L, V1413L, V1426L.
Identifiers: ClinVar variation 1944849 (VCV001944849.5), dbSNP rs2045544493, ClinGen allele CA351304465.

ClinVar aggregate classification (germline): Uncertain significance (1 of 4 stars; one submission).

Conditions:
Hereditary spastic paraplegia 30. Identifiers: Orphanet 101010, MedGen C5235139, MONDO:0012476.
Neuropathy, hereditary sensory, type 2C. Also called: Hereditary sensory and autonomic neuropathy type IIC; KIF1A-Related HSAN2 (HSAN2C). Identifiers: Orphanet 970, MedGen C3280168, MONDO:0013634, OMIM 614213.
Intellectual disability, autosomal dominant 9 (NESCAVS). Also called: NESCAV SYNDROME; KIF1A-Related Neurodevelopmental Disorder. Identifiers: Orphanet 662367, MedGen C5393830, MONDO:0013656, OMIM 614255.

Submission:

Labcorp Genetics (formerly Invitae), Labcorp
Classification: Uncertain significance for Hereditary spastic paraplegia 30; Neuropathy, hereditary sensory, type 2C; Intellectual disability, autosomal dominant 9. Last evaluated: 2022-02-28. Review status: criteria provided, single submitter. Criteria: Invitae Variant Classification Sherloc (09022015). Collection method: clinical testing. Allele origin: germline.
Comment: Algorithms developed to predict the effect of missense changes on protein structure and function are either unavailable or do not agree on the potential impact of this missense change (SIFT: "Deleterious"; PolyPhen-2: "Possibly Damaging"; Align-GVGD: "Class C0"). This variant has not been reported in the literature in individuals affected with KIF1A-related conditions. This variant is not present in population databases (gnomAD no frequency). This sequence change replaces valine, which is neutral and non-polar, with leucine, which is neutral and non-polar, at codon 1388 of the KIF1A protein (p.Val1388Leu). In summary, the available evidence is currently insufficient to determine the role of this variant in disease. Therefore, it has been classified as a Variant of Uncertain Significance.